The following is an entry in ClinVar:

ClinVar aggregate classification (germline): Likely benign. Review status: criteria provided, multiple submitters, no conflicts (2 of 4 stars). 3 submissions from 3 submitters: Likely benign (2). 1 of the submissions does not count toward it. Last evaluated 2025-12-01.

Conditions:
RBP3-related disorder. Also called: RBP3-related condition.

Allele frequency attached by ClinVar (database versions not stated): gnomAD exomes 0.00004 and 0.00009; TOPMed 0.00004; gnomAD 0.00005; ESP Exome Variant Server 0.00008; ExAC 0.00011; 1000 Genomes Project 0.00020; 1000 Genomes Project 30x 0.00031.
gnomAD v4.1: 74 of 1,613,920 alleles (0.0046%); highest among the groups gnomAD compares: Non-Finnish European, 0.0053%; no homozygotes.

Submissions (3):

Labcorp Genetics (formerly Invitae), Labcorp
Classification: Likely benign. Last evaluated: 2025-12-01. Review status: criteria provided, single submitter. Criteria: Invitae Variant Classification Sherloc (09022015). Collection method: clinical testing. Allele origin: germline.

Blueprint Genetics
Classification: Likely benign. Last evaluated: 2024-03-28. Review status: criteria provided, single submitter. Criteria: ACMG Guidelines, 2015. Collection method: clinical testing. Allele origin: germline.

PreventionGenetics, part of Exact Sciences
Classification: Likely benign for RBP3-related condition. Last evaluated: 2019-08-01. Review status: no assertion criteria provided. Collection method: clinical testing. Allele origin: germline. Not counted in ClinVar's aggregate classification.
Comment: This variant is classified as likely benign based on ACMG/AMP sequence variant interpretation guidelines (Richards et al. 2015 PMID: 25741868, with internal and published modifications).

NM_002900.3(RBP3):c.351G>A (p.Leu117=)

Gene: RBP3 (retinol binding protein 3; plus strand). Cytogenetic location: 10q11.22.
Variant type: single nucleotide variant.
Coding change: c.351G>A on transcript NM_002900.3 (MANE Select); coding-DNA position 351, G replaced by A.
Protein change: p.Leu117=; no amino-acid change (leucine 117 retained).
Molecular consequence: synonymous variant.
Genome position (GRCh38, 1-based): chr10:47,348,835, G>A. VCF-style: chr10-47348835-G-A. GRCh37 (hg19) VCF-style: chr10-48390527-C-T.
Other names: c.351G>A (NM_002900.2).
Identifiers: ClinVar variation 1161752 (VCV001161752.12), dbSNP rs140749741, ClinGen allele CA5487807.
Genomic context (GRCh38, chr10:47,348,835, plus strand): 5'-GCCTCCCCCACAAGTCCCAGCACTCACCAGCCTCTCAGAAGAGGAACTGCTTGCCTGGCT[G>A]CAAAGGGGCCTCCGCCATGAGGTTCTGGAGGGTAATGTGGGCTACCTGCGGGTGGACAGC-3'
Protein context (NP_002891.1, residues 107-127): SLSEEELLAW[Leu117=]QRGLRHEVLE